The following is an entry in ClinVar:

ClinVar aggregate classification (germline): Benign/Likely benign. Review status: criteria provided, multiple submitters, no conflicts (2 of 4 stars). 5 submissions from 5 submitters: Benign (3); Likely benign (1). 1 of the submissions does not count toward it. Last evaluated 2026-02-01.

Conditions:
Leukoencephalopathy-thalamus and brainstem anomalies-high lactate syndrome. Also called: LEUKOENCEPHALOPATHY WITH THALAMUS AND BRAINSTEM INVOLVEMENT AND HIGH LACTATE; Combined oxidative phosphorylation deficiency 12. Identifiers: Orphanet 314051, MedGen C4706421, MONDO:0013971, OMIM 614924.
EARS2-related disorder. Also called: EARS2-related disorders; EARS2-related condition.

Allele frequency attached by ClinVar (database versions not stated): gnomAD 0.00007 and 0.00053; TOPMed 0.00010; ExAC 0.00138; gnomAD exomes 0.00143; 1000 Genomes Project 30x 0.00281; 1000 Genomes Project 0.00339.
gnomAD v4.1: 1,086 of 1,614,152 alleles (0.067%); highest among the groups gnomAD compares: South Asian, 1.1%; 27 homozygotes.

Submissions (5):

CeGaT Center for Human Genetics Tuebingen
Classification: Benign. Last evaluated: 2026-02-01. Review status: criteria provided, single submitter. Criteria: CeGaT Center For Human Genetics Tuebingen Variant Classification Criteria Version 2. Collection method: clinical testing. Allele origin: germline. Affected: yes. Observed: 1 variant allele.
Comment: EARS2: BP4, BP7, BS1, BS2

Labcorp Genetics (formerly Invitae), Labcorp
Classification: Benign. Last evaluated: 2025-09-30. Review status: criteria provided, single submitter. Criteria: Invitae Variant Classification Sherloc (09022015). Collection method: clinical testing. Allele origin: germline.

Illumina Laboratory Services, Illumina
Classification: Likely benign for Leukoencephalopathy-thalamus and brainstem anomalies-high lactate syndrome. Last evaluated: 2018-01-12. Review status: criteria provided, single submitter. Criteria: ICSL Variant Classification Criteria 13 December 2019. Collection method: clinical testing. Allele origin: germline.
Comment: This variant was observed in the ICSL laboratory as part of a predisposition screen in an ostensibly healthy population. It had not been previously curated by ICSL or reported in the Human Gene Mutation Database (HGMD: prior to June 1st, 2018), and was therefore a candidate for classification through an automated scoring system. Utilizing variant allele frequency, disease prevalence and penetrance estimates, and inheritance mode, an automated score was calculated to assess if this variant is too frequent to cause the disease. Based on the score and internal cut-off values, a variant classified as likely benign is not then subjected to further curation. The score for this variant resulted in a classification of likely benign for this disease.

GeneDx
Classification: Benign. Last evaluated: 2015-03-03. Review status: criteria provided, single submitter. Criteria: GeneDx Variant Classification Process June 2021. Collection method: clinical testing. Allele origin: germline. Affected: yes.

PreventionGenetics, part of Exact Sciences
Classification: Benign for EARS2-related condition. Last evaluated: 2024-09-27. Review status: no assertion criteria provided. Collection method: clinical testing. Allele origin: germline. Not counted in ClinVar's aggregate classification.
Comment: This variant is classified as benign based on ACMG/AMP sequence variant interpretation guidelines (Richards et al. 2015 PMID: 25741868, with internal and published modifications).

NM_001083614.2(EARS2):c.246C>T (p.Arg82=)

Gene: EARS2 (glutamyl-tRNA synthetase 2, mitochondrial; minus strand). Cytogenetic location: 16p12.2.
Variant type: single nucleotide variant.
Coding change: c.246C>T on transcript NM_001083614.2 (MANE Select); coding-DNA position 246, C replaced by T.
Protein change: p.Arg82=; no amino-acid change (arginine 82 retained).
Molecular consequence: synonymous variant. On other transcripts: non-coding transcript variant (1).
Genome position (GRCh38, 1-based): chr16:23,552,198, G>A on the plus strand (C>T on the coding strand, the complement: EARS2 is on the minus strand). VCF-style: chr16-23552198-G-A. GRCh37 (hg19) VCF-style: chr16-23563519-G-A.
Other names: c.246C>T, p.Arg82= (NM_001308211.1).
Identifiers: ClinVar variation 733378 (VCV000733378.20), dbSNP rs531061994, ClinGen allele CA7962666.